The following is an entry in ClinVar:

NM_000257.4(MYH7):c.415G>T (p.Val139Leu)

Gene: MYH7 (myosin heavy chain 7; minus strand). Cytogenetic location: 14q11.2.
Variant type: single nucleotide variant.
Coding change: c.415G>T on transcript NM_000257.4 (MANE Select); coding-DNA position 415, G replaced by T.
Protein change: p.Val139Leu; replaces valine 139 with leucine.
Molecular consequence: missense variant.
Genome position (GRCh38, 1-based): chr14:23,432,726, C>A on the plus strand (G>T on the coding strand, the complement: MYH7 is on the minus strand). VCF-style: chr14-23432726-C-A. GRCh37 (hg19) VCF-style: chr14-23901935-C-A.
Other names: short protein forms V139L.
Identifiers: ClinVar variation 1203603 (VCV001203603.10), dbSNP rs2138684666, ClinGen allele CA389052864.
Genomic context (GRCh38, chr14:23,432,726, plus strand): 5'-CGGAGATGGAGAAGATGTGGGGCGGGGCCTCGCTCCTCTTCTTGCCCCGGTAGGCAGCCA[C>A]CACCTCAGGAGTGTACACCGGCAGCCACTTGTAAGGGTTGACGGTGACACAGAAGAGGCC-3'
Protein context (NP_000248.2, residues 129-149): KWLPVYTPEV[Val139Leu]AAYRGKKRSE

ClinVar aggregate classification (germline): Conflicting classifications of pathogenicity. Review status: criteria provided, conflicting classifications (1 of 4 stars). 4 submissions from 4 submitters: Likely pathogenic (1); Uncertain significance (1). 2 of the submissions do not count toward it. Last evaluated 2022-11-29.

Conditions:
Hypertrophic cardiomyopathy. Also called: HYPERTROPHIC MYOCARDIOPATHY. Identifiers: Orphanet 217569, MedGen C0007194, MeSH D002312, MONDO:0005045, HP:0001639.

Submissions (4):

Labcorp Genetics (formerly Invitae), Labcorp
Classification: Likely pathogenic for Hypertrophic cardiomyopathy. Last evaluated: 2022-11-29. Review status: criteria provided, single submitter. Criteria: Invitae Variant Classification Sherloc (09022015). Collection method: clinical testing. Allele origin: germline.
Comment: This variant is not present in population databases (gnomAD no frequency). This missense change has been observed in individuals with dilated cardiomyopathy and/or noncompaction cardiomyopathy (PMID: 23785128, 29447731, 30847666). ClinVar contains an entry for this variant (Variation ID: 1203603). Advanced modeling of protein sequence and biophysical properties (such as structural, functional, and spatial information, amino acid conservation, physicochemical variation, residue mobility, and thermodynamic stability) performed at Invitae indicates that this missense variant is expected to disrupt MYH7 protein function. In summary, the currently available evidence indicates that the variant is pathogenic, but additional data are needed to prove that conclusively. Therefore, this variant has been classified as Likely Pathogenic. This sequence change replaces valine, which is neutral and non-polar, with leucine, which is neutral and non-polar, at codon 139 of the MYH7 protein (p.Val139Leu).

GeneDx
Classification: Uncertain significance. Last evaluated: 2019-03-06. Review status: criteria provided, single submitter. Criteria: GeneDx Variant Classification Process June 2021. Collection method: clinical testing. Allele origin: germline. Affected: yes.
Comment: Not observed in large population cohorts (Lek et al., 2016); In silico analysis, which includes protein predictors and evolutionary conservation, supports that this variant does not alter protein structure/function; This variant is associated with the following publications: (PMID: 30847666, 23785128, 29447731)

Clinical Genetics DNA and cytogenetics Diagnostics Lab, Erasmus MC, Erasmus Medical Center
Classification: Likely pathogenic. Review status: no assertion criteria provided. Collection method: clinical testing. Allele origin: germline. Affected: yes. Study: VKGL Data-share Consensus. Not counted in ClinVar's aggregate classification.

Joint Genome Diagnostic Labs from Nijmegen and Maastricht, Radboudumc and MUMC+
Classification: Likely pathogenic. Review status: no assertion criteria provided. Collection method: clinical testing. Allele origin: germline. Affected: yes. Study: VKGL Data-share Consensus. Not counted in ClinVar's aggregate classification.

Literature cited by the submitters: PubMed 23785128 (cited by Labcorp Genetics (formerly Invitae), Labcorp); PubMed 29447731 (cited by Labcorp Genetics (formerly Invitae), Labcorp); PubMed 30847666 (cited by Labcorp Genetics (formerly Invitae), Labcorp).